The following is an entry in ClinVar:

NM_198578.4(LRRK2):c.4229C>T (p.Thr1410Met)

Gene: LRRK2 (leucine rich repeat kinase 2; plus strand). Cytogenetic location: 12q12.
Variant type: single nucleotide variant.
Coding change: c.4229C>T on transcript NM_198578.4 (MANE Select); coding-DNA position 4229, C replaced by T.
Protein change: p.Thr1410Met; replaces threonine 1410 with methionine.
Molecular consequence: missense variant.
Genome position (GRCh38, 1-based): chr12:40,309,145, C>T. VCF-style: chr12-40309145-C-T. GRCh37 (hg19) VCF-style: chr12-40702947-C-T.
Other names: short protein forms T1410M.
Identifiers: ClinVar variation 39179 (VCV000039179.30), dbSNP rs72546327, ClinGen allele CA343569.

ClinVar aggregate classification (germline): Benign/Likely benign. Review status: criteria provided, multiple submitters, no conflicts (2 of 4 stars). 7 submissions from 7 submitters: Benign (2); Likely benign (3). 2 of the submissions do not count toward it. Last evaluated 2025-12-17.

Conditions:
LRRK2-related disorder. Also called: LRRK2-related condition.
Autosomal dominant Parkinson disease 8. Also called: LRRK2-Related Parkinson Disease; Parkinson disease 8; Parkinson disease 8, susceptibility to. Identifiers: Orphanet 411602, MedGen C1846862, MONDO:0011764, OMIM 607060.

Allele frequency attached by ClinVar (database versions not stated): gnomAD exomes 0.00066 and 0.00172; ExAC 0.00210; gnomAD 0.00574 and 0.00621; TOPMed 0.00636; 1000 Genomes Project 0.00639; 1000 Genomes Project 30x 0.00671; ESP Exome Variant Server 0.00830.
gnomAD v4.1: 1,870 of 1,613,692 alleles (0.12%); highest among the groups gnomAD compares: African/African-American, 2.1%; 18 homozygotes.

Submissions (7):

Labcorp Genetics (formerly Invitae), Labcorp
Classification: Benign for Autosomal dominant Parkinson disease 8. Last evaluated: 2025-12-17. Review status: criteria provided, single submitter. Criteria: Invitae Variant Classification Sherloc (09022015). Collection method: clinical testing. Allele origin: germline.

CeGaT Center for Human Genetics Tuebingen
Classification: Benign. Last evaluated: 2025-04-01. Review status: criteria provided, single submitter. Criteria: CeGaT Center For Human Genetics Tuebingen Variant Classification Criteria Version 2. Collection method: clinical testing. Allele origin: germline. Affected: yes. Observed: 1 variant allele.
Comment: LRRK2: BS1, BS2

GeneDx
Classification: Likely benign. Last evaluated: 2020-06-02. Review status: criteria provided, single submitter. Criteria: GeneDx Variant Classification Process June 2021. Collection method: clinical testing. Allele origin: germline. Affected: yes.
Comment: This variant is associated with the following publications: (PMID: 25821816, 24313877)

Illumina Laboratory Services, Illumina
Classification: Likely benign for Autosomal dominant Parkinson disease 8. Last evaluated: 2017-04-27. Review status: criteria provided, single submitter. Criteria: ICSL Variant Classification Criteria 13 December 2019. Collection method: clinical testing. Allele origin: germline.
Comment: This variant was observed as part of a predisposition screen in an ostensibly healthy population. A literature search was performed for the gene, cDNA change, and amino acid change (where applicable). Publications were found based on this search. The evidence from the literature, in combination with allele frequency data from public databases where available, was sufficient to determine this variant is unlikely to cause disease. Therefore, this variant is classified as likely benign.

Breakthrough Genomics
Classification: Likely benign. Review status: criteria provided, single submitter. Criteria: ACMG Guidelines, 2015. Collection method: not provided. Allele origin: germline. Inheritance: Autosomal dominant inheritance. Affected: yes.

PreventionGenetics, part of Exact Sciences
Classification: Benign for LRRK2-related condition. Last evaluated: 2022-02-18. Review status: no assertion criteria provided. Collection method: clinical testing. Allele origin: germline. Not counted in ClinVar's aggregate classification.
Comment: This variant is classified as benign based on ACMG/AMP sequence variant interpretation guidelines (Richards et al. 2015 PMID: 25741868, with internal and published modifications).

GeneReviews
No classification provided. Condition: Autosomal dominant Parkinson disease 8. Review status: no classification provided. Collection method: literature only. Allele origin: unknown. Not counted in ClinVar's aggregate classification.

Literature cited by the submitters: PubMed 20443975 (cited by Illumina Laboratory Services, Illumina); PubMed 21060682 (cited by Illumina Laboratory Services, Illumina); PubMed 20301387 (cited by GeneReviews); NCBI Bookshelf NBK1208 (cited by GeneReviews).